The following is an entry in ClinVar:

NM_001271.4(CHD2):c.1219C>A (p.Pro407Thr)

Gene: CHD2 (chromodomain helicase DNA binding protein 2; plus strand). Cytogenetic location: 15q26.1.
Variant type: single nucleotide variant.
Coding change: c.1219C>A on transcript NM_001271.4 (MANE Select); coding-DNA position 1219, C replaced by A.
Protein change: p.Pro407Thr; replaces proline 407 with threonine.
Molecular consequence: missense variant.
Genome position (GRCh38, 1-based): chr15:92,946,058, C>A. VCF-style: chr15-92946058-C-A. GRCh37 (hg19) VCF-style: chr15-93489288-C-A.
Other names: c.1219C>A, p.Pro407Thr (NM_001042572.3); short protein forms P407T.
Identifiers: ClinVar variation 1361329 (VCV001361329.8), dbSNP rs2141795454, ClinGen allele CA393903635.

ClinVar aggregate classification (germline): Uncertain significance (1 of 4 stars; one submission).

Conditions:
Developmental and epileptic encephalopathy 94 (DEE94). Also called: Epileptic encephalopathy, childhood-onset; CHD2-Related Neurodevelopmental Disorders. Identifiers: Orphanet 1942, Orphanet 2382, MedGen C3809278, MONDO:0014150, OMIM 615369.

gnomAD v4.1: 1 of 1,591,292 alleles (0.000063%); highest among the groups gnomAD compares: South Asian, 0.0011%; no homozygotes.

Submission:

Labcorp Genetics (formerly Invitae), Labcorp
Classification: Uncertain significance for Developmental and epileptic encephalopathy 94. Last evaluated: 2022-06-20. Review status: criteria provided, single submitter. Criteria: Invitae Variant Classification Sherloc (09022015). Collection method: clinical testing. Allele origin: germline.
Comment: This sequence change replaces proline, which is neutral and non-polar, with threonine, which is neutral and polar, at codon 407 of the CHD2 protein (p.Pro407Thr). This variant is not present in population databases (gnomAD no frequency). This variant has not been reported in the literature in individuals affected with CHD2-related conditions. Advanced modeling of protein sequence and biophysical properties (such as structural, functional, and spatial information, amino acid conservation, physicochemical variation, residue mobility, and thermodynamic stability) performed at Invitae indicates that this missense variant is not expected to disrupt CHD2 protein function. In summary, the available evidence is currently insufficient to determine the role of this variant in disease. Therefore, it has been classified as a Variant of Uncertain Significance.